The following is an entry in ClinVar:

ClinVar aggregate classification (germline): Likely pathogenic (1 of 4 stars; one submission).

Conditions:
Multiple sulfatase deficiency (MSD). Also called: Mucosulfatidosis; Multiple Sulfatase Deficiency Disease; Sulfatidosis, Juvenile, Austin Type. Identifiers: Orphanet 585, MedGen C0268263, MONDO:0010088, OMIM 272200.

gnomAD v4.1: 1 of 1,613,730 alleles (0.000062%); highest among the groups gnomAD compares: Non-Finnish European, 0.000085%; no homozygotes.

Submission:

Labcorp Genetics (formerly Invitae), Labcorp
Classification: Likely pathogenic for Multiple sulfatase deficiency. Last evaluated: 2022-06-23. Review status: criteria provided, single submitter. Criteria: Invitae Variant Classification Sherloc (09022015). Collection method: clinical testing. Allele origin: germline.
Comment: In summary, the currently available evidence indicates that the variant is pathogenic, but additional data are needed to prove that conclusively. Therefore, this variant has been classified as Likely Pathogenic. Algorithms developed to predict the effect of sequence changes on RNA splicing suggest that this variant may disrupt the consensus splice site. ClinVar contains an entry for this variant (Variation ID: 962890). This variant has not been reported in the literature in individuals affected with SUMF1-related conditions. This variant is not present in population databases (gnomAD no frequency). This sequence change affects an acceptor splice site in intron 5 of the SUMF1 gene. It is expected to disrupt RNA splicing. Variants that disrupt the donor or acceptor splice site typically lead to a loss of protein function (PMID: 16199547), and loss-of-function variants in SUMF1 are known to be pathogenic (PMID: 12757705, 12757706, 25885655).

Literature cited by the submitters: PubMed 16199547; PubMed 12757705; PubMed 12757706; PubMed 25885655.

NM_182760.4(SUMF1):c.726-1G>A

Gene: SUMF1 (sulfatase modifying factor 1; minus strand). Cytogenetic location: 3p26.1.
Variant type: single nucleotide variant.
Coding change: c.726-1G>A on transcript NM_182760.4 (MANE Select); the canonical splice acceptor site of the intron before coding-DNA position 726, G replaced by A.
Molecular consequence: splice acceptor variant.
Genome position (GRCh38, 1-based): chr3:4,417,243, C>T on the plus strand (G>A on the coding strand, the complement: SUMF1 is on the minus strand). VCF-style: chr3-4417243-C-T. GRCh37 (hg19) VCF-style: chr3-4458927-C-T.
Other names: c.651-1G>A (NM_001164674.2); c.726-1G>A (NM_001164675.2).
Identifiers: ClinVar variation 962890 (VCV000962890.8), dbSNP rs1215549413, ClinGen allele CA351632221.